The following is an entry in ClinVar:

NM_001366110.1(PAX4):c.1008_1009dup (p.Gln337fs)

Gene: PAX4 (paired box 4; minus strand). Cytogenetic location: 7q32.1.
Variant type: Microsatellite.
Coding change: c.1008_1009dup on transcript NM_001366110.1 (MANE Select); coding-DNA positions 1008 to 1009, 2 bases duplicated (TC; older notation c.1008_1009dupTC).
Protein change: p.Gln337fs; shifts the reading frame from glutamine 337.
Molecular consequence: frameshift variant. On other transcripts: intron variant (1).
Genome position (GRCh38, 1-based): chr7:127,611,111-127,611,112, GA duplicated on the plus strand (TC on the coding strand, the reverse complement: PAX4 is on the minus strand); duplicating any 2 consecutive bases within chr7:127,611,111-127,611,115 gives the same sequence; the c. name uses the placement nearest the transcript's 3' end. VCF-style (leftmost placement, unchanged base first): chr7-127611110-T-TGA. GRCh37 (hg19) VCF-style: chr7-127251164-T-TGA.
Other names: NM_006193.2:c.984_985dup; c.914-129TC[3] (NM_001366111.1); short protein forms Q337fs.
Identifiers: ClinVar variation 1803618 (VCV001803618.1), dbSNP rs1247123907, ClinGen allele CA833016713.

ClinVar aggregate classification (germline): Uncertain significance (1 of 4 stars; one submission).

Submission:

GeneDx
Classification: Uncertain significance. Last evaluated: 2022-06-10. Review status: criteria provided, single submitter. Criteria: GeneDx Variant Classification Process June 2021. Collection method: clinical testing. Allele origin: germline. Affected: yes.
Comment: Not observed at significant frequency in large population cohorts (gnomAD); Frameshift variant in a gene or region of a gene for which loss of function is not a well-established mechanism of disease; Has not been previously published as pathogenic or benign to our knowledge